The following is an entry in ClinVar:

NM_000376.3(VDR):c.509C>A (p.Pro170His)

Gene: VDR (vitamin D receptor; minus strand). Cytogenetic location: 12q13.11.
Variant type: single nucleotide variant.
Coding change: c.509C>A on transcript NM_000376.3 (MANE Select); coding-DNA position 509, C replaced by A.
Protein change: p.Pro170His; replaces proline 170 with histidine.
Molecular consequence: missense variant.
Genome position (GRCh38, 1-based): chr12:47,857,203, G>T on the plus strand (C>A on the coding strand, the complement: VDR is on the minus strand). VCF-style: chr12-47857203-G-T. GRCh37 (hg19) VCF-style: chr12-48250986-G-T.
Other names: c.509C>A, p.Pro170His (NM_001017535.2, NM_001364085.2, NM_001374661.1 and 1 more transcripts); c.659C>A, p.Pro220His (NM_001017536.2); c.509C>A (NM_001017535.1); short protein forms P220H, P170H.
Identifiers: ClinVar variation 3574611 (VCV003574611.3).

ClinVar aggregate classification (germline): Uncertain significance. Review status: criteria provided, multiple submitters, no conflicts (2 of 4 stars). 3 submissions from 3 submitters: Uncertain significance (3). Last evaluated 2026-03-10.

Conditions:
Vitamin D-dependent rickets type II with alopecia (VDDR2A). Also called: GENERALIZED RESISTANCE TO 1,25-DIHYDROXYVITAMIN D; HYPOCALCEMIC VITAMIN D-RESISTANT RICKETS; PDDR IIA; PSEUDOVITAMIN D-DEFICIENCY, TYPE IIA; RICKETS, HEREDITARY VITAMIN D-RESISTANT; RICKETS-ALOPECIA SYNDROME. Identifiers: Orphanet 93160, MedGen C0342646, MONDO:0010186, OMIM 277440.
VDR-related disorder. Also called: VDR-related condition.

gnomAD v4.1: 5 of 1,614,182 alleles (0.00031%); highest among the groups gnomAD compares: Non-Finnish European, 0.00042%; no homozygotes.

Submissions (3):

Women's Health and Genetics/Laboratory Corporation of America, LabCorp
Classification: Uncertain significance. Last evaluated: 2026-03-10. Review status: criteria provided, single submitter. Criteria: LabCorp Variant Classification Summary - May 2015. Collection method: clinical testing. Allele origin: germline.
Comment: Variant summary: VDR c.509C>A (p.Pro170His) results in a non-conservative amino acid change in the encoded protein sequence. Algorithms developed to predict the effect of missense changes on protein structure and function are either unavailable or do not agree on the potential impact of this missense change. The variant allele was found at a frequency of 8e-06 in 251428 control chromosomes. The available data on variant occurrences in the general population are insufficient to allow any conclusion about variant significance. To our knowledge, no occurrence of c.509C>A in individuals affected with VDR-related conditions and no experimental evidence demonstrating its impact on protein function have been reported. ClinVar contains an entry for this variant (Variation ID: 3574611). Based on the evidence outlined above, the variant was classified as uncertain significance.

PreventionGenetics, part of Exact Sciences
Classification: Uncertain significance for VDR-related condition. Last evaluated: 2024-12-08. Review status: criteria provided, single submitter. Criteria: ACMG Guidelines, 2015. Collection method: clinical testing. Allele origin: germline.
Comment: The VDR c.509C>A variant is predicted to result in the amino acid substitution p.Pro170His. To our knowledge, this variant has not been reported in the literature. This variant is reported in 0.0018% of alleles in individuals of European (non-Finnish) descent in gnomAD. At this time, the clinical significance of this variant is uncertain due to the absence of conclusive functional and genetic evidence.

Fulgent Genetics
Classification: Uncertain significance for Vitamin D-dependent rickets type II with alopecia. Last evaluated: 2024-03-24. Review status: criteria provided, single submitter. Criteria: ACMG Guidelines, 2015. Collection method: clinical testing. Allele origin: germline.